The following is an entry in ClinVar:

NM_133510.4(RAD51B):c.171C>G (p.Ser57Arg)

Gene: RAD51B (RAD51 paralog B; plus strand). Cytogenetic location: 14q24.1.
Variant type: single nucleotide variant.
Coding change: c.171C>G on transcript NM_133510.4 (MANE Select); coding-DNA position 171, C replaced by G.
Protein change: p.Ser57Arg; replaces serine 57 with arginine.
Molecular consequence: missense variant. On other transcripts: 5 prime UTR variant (1).
Genome position (GRCh38, 1-based): chr14:67,825,550, C>G. VCF-style: chr14-67825550-C-G. GRCh37 (hg19) VCF-style: chr14-68292267-C-G.
Other names: c.171C>G, p.Ser57Arg (NM_001321809.2, NM_001321810.2, NM_001321812.1 and 6 more transcripts); c.57C>G, p.Ser19Arg (NM_001321815.1); c.-285C>G (NM_001321817.2); short protein forms S19R, S57R.
Identifiers: ClinVar variation 4842723 (VCV004842723.1).
Genomic context (GRCh38, chr14:67,825,550, plus strand): 5'-GCTTATGAAGGTGACTGGTCTGAGTTATCGAGGTGTCCATGAACTTCTATGTATGGTCAG[C>G]AGGGCCTGTGCCCCAAAGATGCAAACGGTATATTTATATTTTATTATGATTTGATTATGA-3'
Protein context (NP_598194.1, residues 47-67): RGVHELLCMV[Ser57Arg]RACAPKMQTA

ClinVar aggregate classification (germline): Uncertain significance (1 of 4 stars; one submission).

Submission:

Ambry Genetics
Classification: Uncertain significance. Last evaluated: 2026-01-05. Review status: criteria provided, single submitter. Criteria: Ambry Variant Classification Scheme 2023. Collection method: clinical testing. Allele origin: germline.
Comment: The p.S57R variant (also known as c.171C>G), located in coding exon 2 of the RAD51B gene, results from a C to G substitution at nucleotide position 171. The serine at codon 57 is replaced by arginine, an amino acid with dissimilar properties. This amino acid position is conserved. In addition, the in silico prediction for this alteration is inconclusive. Based on the available evidence, the clinical significance of this variant remains unclear.